The following is an entry in ClinVar:

NM_001127898.4(CLCN5):c.656T>C (p.Leu219Pro)

Gene: CLCN5 (chloride voltage-gated channel 5; plus strand). Cytogenetic location: Xp11.23.
Variant type: single nucleotide variant.
Coding change: c.656T>C on transcript NM_001127898.4 (MANE Select); coding-DNA position 656, T replaced by C.
Protein change: p.Leu219Pro; replaces leucine 219 with proline.
Molecular consequence: missense variant.
Genome position (GRCh38, 1-based): chrX:50,080,646, T>C. VCF-style: chrX-50080646-T-C. GRCh37 (hg19) VCF-style: chrX-49845303-T-C.
Other names: c.446T>C, p.Leu149Pro (NM_000084.5); c.656T>C, p.Leu219Pro (NM_001127899.4); c.506T>C, p.Leu169Pro (NM_001282163.2); short protein forms L219P, L149P, L169P.
Identifiers: ClinVar variation 2401486 (VCV002401486.3), dbSNP rs781799509, ClinGen allele CA10413766.

ClinVar aggregate classification (germline): Uncertain significance. Review status: criteria provided, multiple submitters, no conflicts (2 of 4 stars). 2 submissions from 2 submitters: Uncertain significance (2). Last evaluated 2025-09-22.

Conditions:
Inborn genetic diseases. Identifiers: MedGen C0950123, MeSH D030342.

Allele frequency attached by ClinVar (database versions not stated): gnomAD exomes below 0.00001; ExAC 0.00001; gnomAD 0.00001; TOPMed 0.00001.
gnomAD v4.1: 2 of 1,204,253 alleles (0.00017%); highest among the groups gnomAD compares: Non-Finnish European, 0.00022%; no homozygotes.

Submissions (2):

Labcorp Genetics (formerly Invitae), Labcorp
Classification: Uncertain significance. Last evaluated: 2025-09-22. Review status: criteria provided, single submitter. Criteria: Invitae Variant Classification Sherloc (09022015). Collection method: clinical testing. Allele origin: germline.
Comment: This sequence change replaces leucine, which is neutral and non-polar, with proline, which is neutral and non-polar, at codon 149 of the CLCN5 protein (p.Leu149Pro). This variant is present in population databases (rs781799509, gnomAD 0.002%). This variant has not been reported in the literature in individuals affected with CLCN5-related conditions. ClinVar contains an entry for this variant (Variation ID: 2401486). Invitae Evidence Modeling of protein sequence and biophysical properties (such as structural, functional, and spatial information, amino acid conservation, physicochemical variation, residue mobility, and thermodynamic stability) has been performed for this missense variant. However, the output from this modeling did not meet the statistical confidence thresholds required to predict the impact of this variant on CLCN5 protein function. In summary, the available evidence is currently insufficient to determine the role of this variant in disease. Therefore, it has been classified as a Variant of Uncertain Significance.

Ambry Genetics
Classification: Uncertain significance for Inborn genetic diseases. Last evaluated: 2021-07-09. Review status: criteria provided, single submitter. Criteria: Ambry Variant Classification Scheme 2023. Collection method: clinical testing. Allele origin: germline.